The following is an entry in ClinVar:

ClinVar aggregate classification (germline): Uncertain significance (1 of 4 stars; one submission).

Conditions:
Familial sleep-related hypermotor epilepsy. Also called: Autosomal Dominant Sleep-Related Hypermotor (Hyperkinetic) Epilepsy. Identifiers: Orphanet 98784, MedGen C3696898, MONDO:0000030.

Submission:

Labcorp Genetics (formerly Invitae), Labcorp
Classification: Uncertain significance. Last evaluated: 2022-01-14. Review status: criteria provided, single submitter. Criteria: Invitae Variant Classification Sherloc (09022015). Collection method: clinical testing. Allele origin: germline.
Comment: This sequence change replaces proline, which is neutral and non-polar, with arginine, which is basic and polar, at codon 620 of the CHRNA4 protein (p.Pro620Arg). This variant is not present in population databases (gnomAD no frequency). This variant has not been reported in the literature in individuals affected with CHRNA4-related conditions. ClinVar contains an entry for this variant (Variation ID: 1017487). Algorithms developed to predict the effect of missense changes on protein structure and function (SIFT, PolyPhen-2, Align-GVGD) all suggest that this variant is likely to be disruptive. In summary, the available evidence is currently insufficient to determine the role of this variant in disease. Therefore, it has been classified as a Variant of Uncertain Significance.

NM_000744.7(CHRNA4):c.1859C>G (p.Pro620Arg)

Gene: CHRNA4 (cholinergic receptor nicotinic alpha 4 subunit; minus strand). Cytogenetic location: 20q13.33.
Variant type: single nucleotide variant.
Coding change: c.1859C>G on transcript NM_000744.7 (MANE Select); coding-DNA position 1859, C replaced by G.
Protein change: p.Pro620Arg; replaces proline 620 with arginine.
Molecular consequence: missense variant. On other transcripts: non-coding transcript variant (1).
Genome position (GRCh38, 1-based): chr20:63,346,763, G>C on the plus strand (C>G on the coding strand, the complement: CHRNA4 is on the minus strand). VCF-style: chr20-63346763-G-C. GRCh37 (hg19) VCF-style: chr20-61978115-G-C.
Other names: c.1331C>G, p.Pro444Arg (NM_001256573.2); short protein forms P444R, P620R.
Identifiers: ClinVar variation 1017487 (VCV001017487.8), dbSNP rs754340834, ClinGen allele CA409630851.